The following is an entry in ClinVar:

ClinVar aggregate classification (germline): Likely benign (0 of 4 stars; one submission).

Conditions:
ACTN3-related disorder. Also called: ACTN3-related condition.

Allele frequency attached by ClinVar (database versions not stated): gnomAD 0.00001; gnomAD exomes 0.00001; TOPMed 0.00001.
gnomAD v4.1: 13 of 1,613,690 alleles (0.00081%); highest among the groups gnomAD compares: Non-Finnish European, 0.0011%; no homozygotes.

Submission:

PreventionGenetics, part of Exact Sciences
Classification: Likely benign for ACTN3-related condition. Last evaluated: 2019-10-28. Review status: no assertion criteria provided. Collection method: clinical testing. Allele origin: germline.
Comment: This variant is classified as likely benign based on ACMG/AMP sequence variant interpretation guidelines (Richards et al. 2015 PMID: 25741868, with internal and published modifications).

NM_001104.4(ACTN3):c.1129-8C>T

Gene: ACTN3 (actinin alpha 3; plus strand). Cytogenetic location: 11q13.2.
Variant type: single nucleotide variant.
Coding change: c.1129-8C>T on transcript NM_001104.4 (MANE Select); 8 bases into the intron before coding-DNA position 1129, C replaced by T.
Molecular consequence: intron variant.
Genome position (GRCh38, 1-based): chr11:66,558,019, C>T. VCF-style: chr11-66558019-C-T. GRCh37 (hg19) VCF-style: chr11-66325490-C-T.
Other names: c.1258-8C>T (NM_001258371.3).
Identifiers: ClinVar variation 3045362 (VCV003045362.2), dbSNP rs1278778552, ClinGen allele CA600232641.